The following is an entry in ClinVar:

ClinVar aggregate classification (germline): Likely pathogenic (1 of 4 stars; one submission).

Conditions:
Autosomal recessive nonsyndromic hearing loss 3. Also called: NEUROSENSORY NONSYNDROMIC RECESSIVE DEAFNESS 3. Identifiers: Orphanet 90636, MedGen C1838263, MONDO:0010860, OMIM 600316.

Submission:

Institute of Rare Diseases, West China Hospital, Sichuan University
Classification: Likely pathogenic for Autosomal recessive nonsyndromic hearing loss 3. Last evaluated: 2025-01-09. Review status: criteria provided, single submitter. Criteria: ClinGen HL ACMG Specifications v1. Collection method: research. Allele origin: germline. Affected: yes.
Comment: PVS1;PM2_Supporting

NM_016239.4(MYO15A):c.2722G>T (p.Glu908Ter)

Gene: MYO15A (myosin XVA; plus strand). Cytogenetic location: 17p11.2.
Variant type: single nucleotide variant.
Coding change: c.2722G>T on transcript NM_016239.4 (MANE Select); coding-DNA position 2722, G replaced by T.
Protein change: p.Glu908Ter; replaces glutamic acid 908 with a stop codon.
Molecular consequence: nonsense.
Genome position (GRCh38, 1-based): chr17:18,121,522, G>T. VCF-style: chr17-18121522-G-T. GRCh37 (hg19) VCF-style: chr17-18024836-G-T.
Other names: short protein forms E908*.
Identifiers: ClinVar variation 3601312 (VCV003601312.1).